The following is an entry in ClinVar:

ClinVar aggregate classification (germline): Pathogenic/Likely pathogenic. Review status: criteria provided, multiple submitters, no conflicts (2 of 4 stars). 8 submissions from 8 submitters: Pathogenic (4); Likely pathogenic (3). 1 of the submissions does not count toward it. Last evaluated 2026-09-04.

Conditions:
STRC-related disorder. Also called: STRC-related condition.
Rare genetic deafness. Identifiers: Orphanet 96210, MedGen C5680250.
Inborn genetic diseases. Identifiers: MedGen C0950123, MeSH D030342.
Autosomal recessive nonsyndromic hearing loss 16. Also called: DFNB16 Nonsyndromic Hearing Loss and Deafness; DEAFNESS, AUTOSOMAL RECESSIVE 16. Identifiers: Orphanet 90636, MedGen C1863561, MONDO:0011364, OMIM 603720.

Allele frequency attached by ClinVar (database versions not stated): gnomAD below 0.00001 and 0.00003; TOPMed 0.00001; gnomAD exomes 0.00004; ExAC 0.00008; 1000 Genomes Project 30x 0.00031; 1000 Genomes Project 0.00040.
gnomAD v4.1: 29 of 1,613,212 alleles (0.0018%); highest among the groups gnomAD compares: South Asian, 0.021%; 1 homozygote.

Submissions (8):

PreventionGenetics, part of Exact Sciences
Classification: Likely pathogenic for STRC-related condition. Last evaluated: 2026-09-04. Review status: criteria provided, single submitter. Criteria: ACMG Guidelines, 2015. Collection method: clinical testing. Allele origin: germline.
Comment: The STRC c.4701+1G>A variant is predicted to disrupt the GT donor site and interfere with normal splicing. This variant was reported in an individual with hearing loss, although a second likely causative variant was not identified (Sheppard et al. 2018. PubMed ID: 29907799). This variant is reported in 0.026% of alleles in individuals of South Asian descent in gnomAD. Variants that disrupt the consensus splice donor site in STRC are expected to be pathogenic. This variant is interpreted as likely pathogenic.

CeGaT Center for Human Genetics Tuebingen
Classification: Likely pathogenic. Last evaluated: 2026-06-01. Review status: criteria provided, single submitter. Criteria: CeGaT Center For Human Genetics Tuebingen Variant Classification Criteria Version 2. Collection method: clinical testing. Allele origin: germline. Affected: yes. Observed: 1 variant allele.
Comment: STRC: PM3:Strong, PM2, PVS1:Moderate

Ambry Genetics
Classification: Pathogenic for Inborn genetic diseases. Last evaluated: 2025-10-10. Review status: criteria provided, single submitter. Criteria: Ambry Variant Classification Scheme 2023. Collection method: clinical testing. Allele origin: germline.
Comment: The c.4701+1G>A intronic variant consists of a G to A substitution one nucleotide after coding exon 24 of the STRC gene. Alterations that disrupt the canonical splice site are expected to result in aberrant splicing. A resulting transcript is predicted to be in-frame and is not expected to trigger nonsense-mediated mRNAdecay, although direct evidence is unavailable. However, the region predicted to be impacted is critical for protein function (Ambry internal data). Based on data from gnomAD, the A allele has an overall frequency of 0.004% (11/282720) total alleles studied. The highest observed frequency was 0.026% (8/30616) of South Asian alleles. This variant has been identified in the homozygous state and/or in conjunction with other STRC variant(s) in individual(s) with features consistent with non-syndromic hearing loss (Sheppard, 2018; Peixoto de Barcelos, 2023; Amr, 2018). This nucleotide position is highly conserved in available vertebrate species. In silico splice site analysis predicts that this alteration will weaken the native splice donor site. Based on the available evidence, this alteration is classified as pathogenic.

Genomic Medicine Center of Excellence, King Faisal Specialist Hospital and Research Centre
Classification: Pathogenic for Autosomal recessive nonsyndromic hearing loss 16. Last evaluated: 2025-09-10. Review status: criteria provided, single submitter. Criteria: ACMG Guidelines, 2015. Collection method: clinical testing. Allele origin: germline.

Variantyx, Inc.
Classification: Pathogenic for Autosomal recessive nonsyndromic hearing loss 16. Last evaluated: 2025-03-18. Review status: criteria provided, single submitter. Criteria: Variantyx Assertion Criteria 2022. Collection method: clinical testing. Allele origin: germline. Affected: yes.
Comment: This is a canonical splicing variant in the STRC gene (OMIM: 606440). Pathogenic variants in this gene have been associated with autosomal recessive deafness 16. Loss of function is a known disease mechanism for STRC in this disorder (PMID: 31552524). However, the functional consequence of this splicing variant cannot be predicted with certainty (PVS1_Moderate). This variant has a 0.0209% maximum allele frequency in non-founder control populations (PM2_Supporting). Based on the current evidence, this variant is classified as uncertain for autosomal recessive deafness 16.

Laboratory for Molecular Medicine, Mass General Brigham Personalized Medicine
Classification: Pathogenic for Rare genetic deafness. Last evaluated: 2022-11-03. Review status: criteria provided, single submitter. Criteria: ACMG Guidelines, 2015. Collection method: clinical testing. Allele origin: germline. Inheritance: Autosomal recessive inheritance.
Comment: The c.4701+1G>A variant in STRC has been previously reported in 1 individual with hearing loss who carried a second STRC variant in trans (Sheppard et al., PMID: 29907799) and another individual with hearing loss that carried a pathogenic STRC deletion. This variant has also been identified in 8/16512 South Asian and 2/66724 European chromosomes by the Exome Aggregation Consortium (dbSNP rs199839039). Although this variant has been seen in the general population, its frequency is low enough to be consistent with a recessive carrier frequency. This variant occurs in the invariant region (+1/2) of the splice consensus sequence and is predicted to cause altered splicing leading to an abnormal or absent protein. In summary, this variant meets our criteria to be classified as pathogenic for autosomal recessive hearing loss based on the predicted impact. ACMG/AMP criteria applied: PSV1_Strong, PM3_Strong.

Revvity Omics, Revvity
Classification: Likely pathogenic for Autosomal recessive nonsyndromic hearing loss 16. Last evaluated: 2022-03-21. Review status: criteria provided, single submitter. Criteria: ACMG Guidelines, 2015. Collection method: clinical testing. Allele origin: germline.

Division of Human Genetics, Children's Hospital of Philadelphia
Classification: Likely pathogenic for Deafness, autosomal recessive 16. Last evaluated: 2015-05-23. Review status: no assertion criteria provided. Collection method: research. Allele origin: paternal. Affected: yes. Study: CSER-PediSeq. Not counted in ClinVar's aggregate classification.
Comment: The heterozygous variant was identified in the STRC gene (c.4701+1G>A) is considered likely pathogenic. This variant was previously been seen in 10 individuals in ExAC and has not been previously published. Available splice predictors () predict a complete loss of the splice site with a potential shifting of the splice by one nucleotide which would result in a frame shift.

Literature cited by the submitters: PubMed 29339441 (cited by Ambry Genetics); PubMed 29907799 (cited by Ambry Genetics); PubMed 37626566 (cited by Ambry Genetics).

NM_153700.2(STRC):c.4701+1G>A

Gene: STRC (stereocilin; minus strand). Cytogenetic location: 15q15.3.
Variant type: single nucleotide variant.
Coding change: c.4701+1G>A on transcript NM_153700.2 (MANE Select); the canonical splice donor site of the intron after coding-DNA position 4701, G replaced by A.
Molecular consequence: splice donor variant.
Genome position (GRCh38, 1-based): chr15:43,601,395, C>T on the plus strand (G>A on the coding strand, the complement: STRC is on the minus strand). VCF-style: chr15-43601395-C-T. GRCh37 (hg19) VCF-style: chr15-43893593-C-T.
Other names: rs199839039.
Identifiers: ClinVar variation 165305 (VCV000165305.16), dbSNP rs199839039, ClinGen allele CA273233.
Genomic context (GRCh38, chr15:43,601,395, plus strand): 5'-TATAGGGCTGGGTCTGTGGGATGGGTGTTTGGGAAGCCGTAGGGAGGAGGAAAAGTGTTA[C>T]CTGAGTGGTGCTCCAGCCATCTATCTGCCCCAGGGTGCTCAGCACTCCCCAGTCCACTAG-3'